The following is an entry in ClinVar:

ClinVar aggregate classification (germline): Pathogenic/Likely pathogenic. Review status: criteria provided, multiple submitters, no conflicts (2 of 4 stars). 4 submissions from 4 submitters: Pathogenic (2); Likely pathogenic (2). Last evaluated 2023-12-26.

Conditions:
Hereditary cancer-predisposing syndrome. Also called: Hereditary neoplastic syndrome; Tumor predisposition; Neoplastic Syndromes, Hereditary; Hereditary Cancer Syndrome. Identifiers: Orphanet 140162, MedGen C0027672, MeSH D009386, MONDO:0015356.
Neurofibromatosis, type 1 (NF1). Also called: Neurofibromatosis, type I; NEUROFIBROMATOSIS, TYPE I, SOMATIC; Peripheral type neurofibromatosis; VON RECKLINGHAUSEN DISEASE. Identifiers: Orphanet 636, MedGen C0027831, MONDO:0018975, OMIM 162200. Disease mechanism: loss of function.

Submissions (4):

GeneDx
Classification: Likely pathogenic. Last evaluated: 2023-12-26. Review status: criteria provided, single submitter. Criteria: GeneDx Variant Classification Process June 2021. Collection method: clinical testing. Allele origin: germline. Affected: yes.
Comment: Published functional studies demonstrate a damaging effect: aberrant splicing expected to lead to out-of-frame transcripts (PMID: 32126153); In silico analysis supports a deleterious effect on splicing; Not observed at significant frequency in large population cohorts (gnomAD); This variant is associated with the following publications: (PMID: Chen2021[article], 31730495, 25074460, 32126153)

Labcorp Genetics (formerly Invitae), Labcorp
Classification: Pathogenic for Neurofibromatosis, type 1. Last evaluated: 2023-09-11. Review status: criteria provided, single submitter. Criteria: Invitae Variant Classification Sherloc (09022015). Collection method: clinical testing. Allele origin: germline.
Comment: This sequence change falls in intron 43 of the NF1 gene. It does not directly change the encoded amino acid sequence of the NF1 protein. It affects a nucleotide within the consensus splice site. This variant is not present in population databases (gnomAD no frequency). This variant has been observed in individual(s) with neurofibromatosis type I (PMID: 25074460, 31730495). ClinVar contains an entry for this variant (Variation ID: 428955). Variants that disrupt the consensus splice site are a relatively common cause of aberrant splicing (PMID: 17576681, 9536098). Studies have shown that this variant is associated with altered splicing resulting in unknown protein product impact (PMID: 32126153). This variant disrupts the c.6642-3C nucleotide in the NF1 gene. Other variant(s) that disrupt this nucleotide have been determined to be pathogenic (PMID: 32126153). This suggests that this nucleotide is clinically significant, and that variants that disrupt this position are likely to be disease-causing. For these reasons, this variant has been classified as Pathogenic.

UAB Medical Genomics Laboratory, UAB Medicine
Classification: Pathogenic for Neurofibromatosis, type 1. Last evaluated: 2020-01-20. Review status: criteria provided, single submitter. Criteria: ACMG Guidelines, 2015. Collection method: clinical testing. Allele origin: germline. Affected: yes.

Ambry Genetics
Classification: Likely pathogenic for Hereditary cancer-predisposing syndrome. Last evaluated: 2014-12-08. Review status: criteria provided, single submitter. Criteria: Ambry Autosomal Dominant and X-Linked criteria (10/2015). Collection method: clinical testing. Allele origin: germline. Observed: 1 variant allele.
Comment: <span style="font-family:arial,helvetica,sans-serif"><span style="font-size:12px">Thec.6705-3C>Gintronic variant results from a C to G substitution 3 nucleotides upstream from coding exon 45 in theNF1gene. This variant was seen in one individual from the French NF1 Databasewho fulfilled NIH NF1 diagnostic criteria (Pasmant E, et al.Eur. J. Hum. Genet. 2014,14(7);10.1038).This variant was not reported in population based cohorts in the following databases: Database of Single Nucleotide Polymorphisms (dbSNP), NHLBI Exome Sequencing Project (ESP), and 1000 Genomes Project. In the ESP, this variant was not observed in 6503 samples (13006 alleles) with coverage at this position.To date, this alteration has been detected with an allele frequency of approximately 0.01% (greater than11000alleles tested) in our clinical cohort.This nucleotide position is conserved in available vertebrate species. Using the BDGP and ESEfinder splice site prediction tools, this alteration is predicted to abolish the native acceptor splice site; however, direct evidence is unavailable.Based on the majority of available evidence to date, this variant is likely to be pathogenic.

Literature cited by the submitters: PubMed 25074460 (cited by Labcorp Genetics (formerly Invitae), Labcorp and Ambry Genetics); PubMed 31730495 (cited by Labcorp Genetics (formerly Invitae), Labcorp); PubMed 17576681 (cited by Labcorp Genetics (formerly Invitae), Labcorp); PubMed 9536098 (cited by Labcorp Genetics (formerly Invitae), Labcorp); PubMed 32126153 (cited by Labcorp Genetics (formerly Invitae), Labcorp and UAB Medical Genomics Laboratory, UAB Medicine).

NM_001042492.3(NF1):c.6705-3C>G

Gene: NF1 (neurofibromin 1; plus strand). Cytogenetic location: 17q11.2.
Variant type: single nucleotide variant.
Coding change: c.6705-3C>G on transcript NM_001042492.3 (MANE Select); 3 bases into the intron before coding-DNA position 6705, C replaced by G.
Molecular consequence: intron variant.
Genome position (GRCh38, 1-based): chr17:31,338,022, C>G. VCF-style: chr17-31338022-C-G. GRCh37 (hg19) VCF-style: chr17-29665040-C-G.
Other names: c.6642-3C>G (NM_000267.4).
Identifiers: ClinVar variation 428955 (VCV000428955.12), dbSNP rs1131691079, ClinGen allele CA645369724.
Genomic context (GRCh38, chr17:31,338,022, plus strand): 5'-TTTATTATTTAGTATATATAAACACAAAGGTTTTTATAAGTTCTGTGGATCTTTTAATTG[C>G]AGATTTGCATTCCAATATAATCCATCCCTGCAACCAAGAGCTCTTGTTGTCTTTGGGTGT-3'